The following is an entry in ClinVar:

NM_000548.5(TSC2):c.2728C>T (p.Pro910Ser)

Gene: TSC2 (TSC complex subunit 2; plus strand). Cytogenetic location: 16p13.3.
Variant type: single nucleotide variant.
Coding change: c.2728C>T on transcript NM_000548.5 (MANE Select); coding-DNA position 2728, C replaced by T.
Protein change: p.Pro910Ser; replaces proline 910 with serine.
Molecular consequence: missense variant.
Genome position (GRCh38, 1-based): chr16:2,076,156, C>T. VCF-style: chr16-2076156-C-T. GRCh37 (hg19) VCF-style: chr16-2126157-C-T.
Other names: c.2728C>T, p.Pro910Ser (NM_001077183.3, NM_001114382.3, NM_001363528.2 and 3 more transcripts); c.2617C>T, p.Pro873Ser (NM_001318827.2); c.2581C>T, p.Pro861Ser (NM_001318829.2); c.2128C>T, p.Pro710Ser (NM_001318831.2); c.2761C>T, p.Pro921Ser (NM_001318832.2); short protein forms P710S, P921S, P873S, P861S, P910S.
Identifiers: ClinVar variation 953559 (VCV000953559.15), dbSNP rs1319146226, ClinGen allele CA394279566.
Genomic context (GRCh38, chr16:2,076,156, plus strand): 5'-CATCACGTCATAGCCATGTGGTTCATCAGGTGCCGCCTGCCCTTCCGGAAGGATTTTGTC[C>T]CTTTCATCACTAAGGTGGGCTCAGGGCCGGTGAAGGCTGTGTCTCTCGGTAGGCCAGGGC-3'
Protein context (NP_000539.2, residues 900-920): CRLPFRKDFV[Pro910Ser]FITKGLRSNV

ClinVar aggregate classification (germline): Uncertain significance. Review status: criteria provided, multiple submitters, no conflicts (2 of 4 stars). 4 submissions from 4 submitters: Uncertain significance (4). Last evaluated 2025-04-07.

Conditions:
Tuberous sclerosis 2 (TSC2). Identifiers: Orphanet 805, MedGen C1860707, MONDO:0013199, OMIM 613254.
Hereditary cancer-predisposing syndrome. Also called: Hereditary neoplastic syndrome; Tumor predisposition; Neoplastic Syndromes, Hereditary; Hereditary Cancer Syndrome. Identifiers: Orphanet 140162, MedGen C0027672, MeSH D009386, MONDO:0015356.

Allele frequency attached by ClinVar (database versions not stated): TOPMed below 0.00001.
gnomAD v4.1: 1 of 1,613,582 alleles (0.000062%); highest among the groups gnomAD compares: Non-Finnish European, 0.000085%; no homozygotes.

Submissions (4):

Ambry Genetics
Classification: Uncertain significance for Hereditary cancer-predisposing syndrome. Last evaluated: 2025-04-07. Review status: criteria provided, single submitter. Criteria: Ambry Variant Classification Scheme 2023. Collection method: clinical testing. Allele origin: germline.
Comment: The p.P910S variant (also known as c.2728C>T), located in coding exon 23 of the TSC2 gene, results from a C to T substitution at nucleotide position 2728. The proline at codon 910 is replaced by serine, an amino acid with similar properties. This amino acid position is conserved. In addition, the in silico prediction for this alteration is inconclusive. Based on the available evidence, the clinical significance of this variant remains unclear.

Labcorp Genetics (formerly Invitae), Labcorp
Classification: Uncertain significance for Tuberous sclerosis 2. Last evaluated: 2025-01-08. Review status: criteria provided, single submitter. Criteria: Invitae Variant Classification Sherloc (09022015). Collection method: clinical testing. Allele origin: germline.
Comment: This sequence change replaces proline, which is neutral and non-polar, with serine, which is neutral and polar, at codon 910 of the TSC2 protein (p.Pro910Ser). This variant is not present in population databases (gnomAD no frequency). This variant has not been reported in the literature in individuals affected with TSC2-related conditions. ClinVar contains an entry for this variant (Variation ID: 953559). Invitae Evidence Modeling of protein sequence and biophysical properties (such as structural, functional, and spatial information, amino acid conservation, physicochemical variation, residue mobility, and thermodynamic stability) indicates that this missense variant is not expected to disrupt TSC2 protein function with a negative predictive value of 95%. In summary, the available evidence is currently insufficient to determine the role of this variant in disease. Therefore, it has been classified as a Variant of Uncertain Significance.

Genome-Nilou Lab
Classification: Uncertain significance for Tuberous sclerosis 2. Last evaluated: 2021-11-07. Review status: criteria provided, single submitter. Criteria: ACMG Guidelines, 2015. Collection method: clinical testing. Allele origin: germline. Affected: no.

Institute for Clinical Genetics, University Hospital TU Dresden, University Hospital TU Dresden
Classification: Uncertain significance. Last evaluated: 2021-11-03. Review status: criteria provided, single submitter. Criteria: ACMG Guidelines, 2015. Collection method: clinical testing. Allele origin: germline.